The following is an entry in ClinVar:

ClinVar aggregate classification (germline): Uncertain significance (1 of 4 stars; one submission).

gnomAD v4.1: 1 of 1,612,156 alleles (0.000062%); highest among the groups gnomAD compares: Non-Finnish European, 0.000085%; no homozygotes.

Submission:

Ambry Genetics
Classification: Uncertain significance. Last evaluated: 2025-08-29. Review status: criteria provided, single submitter. Criteria: Ambry Variant Classification Scheme 2023. Collection method: clinical testing. Allele origin: germline.
Comment: The p.T303A variant (also known as c.907A>G), located in coding exon 7 of the GEN1 gene, results from an A to G substitution at nucleotide position 907. The threonine at codon 303 is replaced by alanine, an amino acid with similar properties. This amino acid position is conserved. In addition, this alteration is predicted to be tolerated by in silico analysis. Based on the available evidence, the clinical significance of this variant remains unclear.

NM_001130009.3(GEN1):c.907A>G (p.Thr303Ala)

Gene: GEN1 (GEN1 Holliday junction 5' flap endonuclease; plus strand). Cytogenetic location: 2p24.2.
Variant type: single nucleotide variant.
Coding change: c.907A>G on transcript NM_001130009.3 (MANE Select); coding-DNA position 907, A replaced by G.
Protein change: p.Thr303Ala; replaces threonine 303 with alanine.
Molecular consequence: missense variant.
Genome position (GRCh38, 1-based): chr2:17,772,738, A>G. VCF-style: chr2-17772738-A-G. GRCh37 (hg19) VCF-style: chr2-17954005-A-G.
Other names: c.907A>G, p.Thr303Ala (NM_182625.5); short protein forms T303A.
Identifiers: ClinVar variation 4263103 (VCV004263103.1).